The following is an entry in ClinVar:

NM_025074.7(FRAS1):c.2575+2T>G

Gene: FRAS1 (Fraser extracellular matrix complex subunit 1; plus strand). Cytogenetic location: 4q21.21.
Variant type: single nucleotide variant.
Coding change: c.2575+2T>G on transcript NM_025074.7 (MANE Select); the canonical splice donor site of the intron after coding-DNA position 2575, T replaced by G.
Molecular consequence: splice donor variant.
Genome position (GRCh38, 1-based): chr4:78,363,667, T>G. VCF-style: chr4-78363667-T-G. GRCh37 (hg19) VCF-style: chr4-79284821-T-G.
Other names: c.2575+2T>G (NM_001166133.2).
Identifiers: ClinVar variation 2845293 (VCV002845293.3), dbSNP rs1731162235, ClinGen allele CA357371902.

ClinVar aggregate classification (germline): Likely pathogenic (1 of 4 stars; one submission).

Allele frequency attached by ClinVar (database versions not stated): TOPMed below 0.00001.

Submission:

Labcorp Genetics (formerly Invitae), Labcorp
Classification: Likely pathogenic. Last evaluated: 2023-08-29. Review status: criteria provided, single submitter. Criteria: Invitae Variant Classification Sherloc (09022015). Collection method: clinical testing. Allele origin: germline.
Comment: This variant has not been reported in the literature in individuals affected with FRAS1-related conditions. Algorithms developed to predict the effect of sequence changes on RNA splicing suggest that this variant may disrupt the consensus splice site. In summary, the currently available evidence indicates that the variant is pathogenic, but additional data are needed to prove that conclusively. Therefore, this variant has been classified as Likely Pathogenic. This variant is not present in population databases (gnomAD no frequency). This sequence change affects a donor splice site in intron 21 of the FRAS1 gene. It is expected to disrupt RNA splicing. Variants that disrupt the donor or acceptor splice site typically lead to a loss of protein function (PMID: 16199547), and loss-of-function variants in FRAS1 are known to be pathogenic (PMID: 12766769, 18671281).

Literature cited by the submitters: PubMed 16199547; PubMed 12766769; PubMed 18671281.